The following is an entry in ClinVar:

NM_015041.3(CLUAP1):c.165C>A (p.Asp55Glu)

Gene: CLUAP1 (clusterin associated protein 1; plus strand). Cytogenetic location: 16p13.3.
Variant type: single nucleotide variant.
Coding change: c.165C>A on transcript NM_015041.3 (MANE Select); coding-DNA position 165, C replaced by A.
Protein change: p.Asp55Glu; replaces aspartic acid 55 with glutamic acid.
Molecular consequence: missense variant.
Genome position (GRCh38, 1-based): chr16:3,506,361, C>A. VCF-style: chr16-3506361-C-A. GRCh37 (hg19) VCF-style: chr16-3556361-C-A.
Other names: c.165C>A, p.Asp55Glu (NM_001330454.2); short protein forms D55E.
Identifiers: ClinVar variation 1047221 (VCV001047221.8), dbSNP rs571721661, ClinGen allele CA394510933.
Genomic context (GRCh38, chr16:3,506,361, plus strand): 5'-CGTGCTCTCTCCTCTTACCTCTCTTGATAGATATGAGCCCCAGACTGACATCCCGCCTGA[C>A]GTGGATACTGAACAGGACCGAGTTTTCTTCATTAAGGCAATTGCCCAGTTCATGGTTAGT-3'
Protein context (NP_055856.1, residues 45-65): RYEPQTDIPP[Asp55Glu]VDTEQDRVFF

ClinVar aggregate classification (germline): Uncertain significance (1 of 4 stars; one submission).

Submission:

Labcorp Genetics (formerly Invitae), Labcorp
Classification: Uncertain significance. Last evaluated: 2022-05-27. Review status: criteria provided, single submitter. Criteria: Invitae Variant Classification Sherloc (09022015). Collection method: clinical testing. Allele origin: germline.
Comment: In summary, the available evidence is currently insufficient to determine the role of this variant in disease. Therefore, it has been classified as a Variant of Uncertain Significance. Algorithms developed to predict the effect of sequence changes on RNA splicing suggest that this variant may create or strengthen a splice site. Algorithms developed to predict the effect of missense changes on protein structure and function (SIFT, PolyPhen-2, Align-GVGD) all suggest that this variant is likely to be tolerated. ClinVar contains an entry for this variant (Variation ID: 1047221). This variant has not been reported in the literature in individuals affected with CLUAP1-related conditions. This variant is not present in population databases (gnomAD no frequency). This sequence change replaces aspartic acid, which is acidic and polar, with glutamic acid, which is acidic and polar, at codon 55 of the CLUAP1 protein (p.Asp55Glu).